The following is an entry in ClinVar:

NM_014874.4(MFN2):c.314C>T (p.Thr105Met)

Gene: MFN2 (mitofusin 2; plus strand). Cytogenetic location: 1p36.22.
Variant type: single nucleotide variant.
Coding change: c.314C>T on transcript NM_014874.4 (MANE Select); coding-DNA position 314, C replaced by T.
Protein change: p.Thr105Met; replaces threonine 105 with methionine.
Molecular consequence: missense variant.
Genome position (GRCh38, 1-based): chr1:11,996,158, C>T. VCF-style: chr1-11996158-C-T. GRCh37 (hg19) VCF-style: chr1-12056215-C-T.
Other names: chr1-11996158-C-T; c.314C>T, p.Thr105Met (NM_001127660.2); short protein forms T105M.
Identifiers: ClinVar variation 214652 (VCV000214652.56), dbSNP rs863224069, ClinGen allele CA279096.

ClinVar aggregate classification (germline): Pathogenic/Likely pathogenic. Review status: criteria provided, multiple submitters, no conflicts (2 of 4 stars). 12 submissions from 12 submitters: Pathogenic (11); Likely pathogenic (1). Last evaluated 2026-01-05.

Conditions:
Neuropathy, hereditary motor and sensory, type 6A (HMSN6A). Also called: HMSN VIA; CHARCOT-MARIE-TOOTH DISEASE, TYPE 6A; NEUROPATHY, HEREDITARY MOTOR AND SENSORY, TYPE VIA; NEUROPATHY, HEREDITARY MOTOR AND SENSORY, TYPE VIA, WITH OPTIC ATROPHY. Identifiers: MedGen CN305336, MONDO:0011002, OMIM 601152.
MFN2-related disorder. Also called: MFN2-related condition; MFN2-related disorders.
Cerebellar ataxia. Identifiers: Orphanet 102002, MedGen C0007758, MONDO:0000437.
Charcot-Marie-Tooth disease type 2. Also called: Charcot-Marie-Tooth type 2. Identifiers: Orphanet 64746, MedGen C0270914, MONDO:0018993.
Charcot-Marie-Tooth disease type 2A2. Also called: CHARCOT-MARIE-TOOTH DISEASE, AXONAL, AUTOSOMAL DOMINANT, TYPE 2A2A; CHARCOT-MARIE-TOOTH DISEASE, NEURONAL, TYPE 2A2; HEREDITARY MOTOR AND SENSORY NEUROPATHY IIA2; HMSN IIA2; CHARCOT-MARIE-TOOTH DISEASE, AXONAL, TYPE 2A2; Charcot-Marie-Tooth Neuropathy Type 2A2. Identifiers: Orphanet 99947, MedGen C4721887, MONDO:0012231, OMIM 609260.

Submissions (12):

Labcorp Genetics (formerly Invitae), Labcorp
Classification: Pathogenic for Charcot-Marie-Tooth disease type 2. Last evaluated: 2026-01-05. Review status: criteria provided, single submitter. Criteria: Invitae Variant Classification Sherloc (09022015). Collection method: clinical testing. Allele origin: germline.
Comment: This sequence change replaces threonine, which is neutral and polar, with methionine, which is neutral and non-polar, at codon 105 of the MFN2 protein (p.Thr105Met). This variant is not present in population databases (gnomAD no frequency). This missense change has been observed in individual(s) with Charcot-Marie-Tooth disease (PMID: 15064763, 16043786, 16835246, 21508331, 24957169, 27100445). In at least one individual the variant was observed to be de novo. It has also been observed to segregate with disease in related individuals. ClinVar contains an entry for this variant (Variation ID: 214652). Invitae Evidence Modeling of protein sequence and biophysical properties (such as structural, functional, and spatial information, amino acid conservation, physicochemical variation, residue mobility, and thermodynamic stability) indicates that this missense variant is expected to disrupt MFN2 protein function with a positive predictive value of 95%. Experimental studies are conflicting or provide insufficient evidence to determine the effect of this variant on MFN2 function (PMID: 17296794, 17959936, 18316077, 19812251). For these reasons, this variant has been classified as Pathogenic.

Institute of Human Genetics Munich, TUM University Hospital
Classification: Pathogenic for Charcot-Marie-Tooth disease type 2A2. Last evaluated: 2025-05-26. Review status: criteria provided, single submitter. Criteria: Classification criteria August 2017. Collection method: clinical testing. Allele origin: germline. Inheritance: Autosomal dominant inheritance. Affected: yes. Observed: 1 variant allele.

Centre for Clinical Genetics and Genomic Diagnostics, Zealand University Hospital
Classification: Pathogenic. Last evaluated: 2024-08-19. Review status: criteria provided, single submitter. Criteria: ACMG Guidelines, 2015. Collection method: clinical testing. Allele origin: germline. Affected: yes.

3billion
Classification: Pathogenic for Charcot-Marie-Tooth disease type 2A2. Last evaluated: 2022-09-01. Review status: criteria provided, single submitter. Criteria: ACMG Guidelines, 2015. Collection method: clinical testing. Allele origin: germline. Affected: yes. Observed: 1 heterozygote.
Comment: The variant is not observed in the gnomAD v2.1.1 dataset. Missense changes are a common disease-causing mechanism. In silico tool predictions suggest damaging effect of the variant on gene or gene product (REVEL: 0.94; 3Cnet: 0.98). Same nucleotide change resulting in same amino acid change has been previously reported as pathogenic/likely pathogenic with strong evidence (ClinVar ID: VCV000214652). The variant has been observed in multiple (>3) similarly affected unrelated individuals (PMID: 16043786 , 21508331 , 26801520 , 27100445). Different missense changes at the same codon (p.Thr105Ala, p.Thr105Arg, p.Thr105Ser) have been reported to be associated with MFN2 -related disorder (ClinVar ID: VCV000543234 / PMID: 22492563 , 24126688 , 28660751). Therefore, this variant is classified as Pathogenic according to the recommendation of ACMG/AMP guideline.

Blueprint Genetics
Classification: Pathogenic for MFN2-related disorders. Last evaluated: 2022-07-01. Review status: criteria provided, single submitter. Criteria: ACMG Guidelines, 2015. Collection method: clinical testing. Allele origin: germline. Affected: yes. Observed: 1 variant allele.

Laboratório de Neurologia Aplicada e Experimental, Faculdade de Medicina de Ribeirao Preto – Universidade de Sao Paulo
Classification: Pathogenic for Charcot-Marie-Tooth disease type 2A2. Last evaluated: 2021-07-20. Review status: criteria provided, single submitter. Criteria: ACMG Guidelines, 2015. Collection method: research. Allele origin: germline. Inheritance: Autosomal dominant inheritance. Affected: yes. Observed: 1 heterozygote.

CeGaT Center for Human Genetics Tuebingen
Classification: Pathogenic. Last evaluated: 2020-01-01. Review status: criteria provided, single submitter. Criteria: CeGaT Center For Human Genetics Tuebingen Variant Classification Criteria Version 2. Collection method: clinical testing. Allele origin: germline. Affected: yes. Observed: 2 variant alleles.

Athena Diagnostics
Classification: Pathogenic. Last evaluated: 2014-03-19. Review status: criteria provided, single submitter. Criteria: Athena Diagnostics Criteria. Collection method: clinical testing. Allele origin: germline.

Clinical Biomedical Laboratory, Shriners Hospital For Children - Canada
Classification: Pathogenic for Neuropathy, hereditary motor and sensory, type 6A. Review status: criteria provided, single submitter. Criteria: ACMG Guidelines, 2015. Collection method: clinical testing. Allele origin: germline. Affected: yes.
Comment: This variant is predicted to substitute a threonine residue by a methionine residue in MFN2. This variant is absent in the Genome Aggregation Database (gnomAD v2.1.1), indicating it is very rare. Computational tools (REVEL: 0.94) suggest that the amino acid change is deleterious to protein function. The gene is associated with hereditary motor and sensory neuropathy VIA, which is in accordance with the clinical presentation of the proband. Based on the ACMG variant interpretation guidelines (criteria: PS3, PM2, PM5, PP2, PP3), the available evidence supports classification of this variant as pathogenic.

Genome Medicine, Institute for Basic Research in Developmental Disabilities
Classification: Likely pathogenic for Ataxia. Review status: criteria provided, single submitter. Criteria: ACMG Guidelines, 2015. Collection method: clinical testing. Allele origin: unknown. Inheritance: Sporadic. Affected: yes. Observed: 1 heterozygote.

Kasturba Medical College, Manipal, Kasturba Medical College, Manipal, Manipal Academy of Higher Education, Manipal, India
Classification: Pathogenic for Charcot-Marie-Tooth disease type 2A2. Review status: criteria provided, single submitter. Criteria: ACMG Guidelines, 2015. Collection method: clinical testing. Allele origin: de novo. Affected: yes.

Neuberg Centre For Genomic Medicine, NCGM
Classification: Pathogenic for Charcot-Marie-Tooth disease type 2A2. Review status: criteria provided, single submitter. Criteria: ACMG Guidelines, 2015. Collection method: clinical testing. Allele origin: germline. Inheritance: Autosomal dominant inheritance. Affected: yes.
Comment: The missense variant p.T105M in MFN2 (NM_014874.4) has been previously reported in affected families (Lawson VH et al,Wang C et al). Functional studies indicate a damaging effect (Amiott EA et al).The p.T105M variant is novel (not in any individuals) in gnomAD Exomes and is novel (not in any individuals) in 1000 Genomes. The p.T105M missense variant is predicted to be damaging by both SIFT and PolyPhen2. The threonine residue at codon 105 of MFN2 is conserved in all mammalian species. The nucleotide c.314 in MFN2 is predicted conserved by GERP++ and PhyloP across 100 vertebrates. For these reasons, this variant has been classified as Pathogenic.

Literature cited by the submitters: PubMed 15064763 (cited by 3 submitters); PubMed 16043786 (cited by 4 submitters); PubMed 16835246 (cited by 3 submitters); PubMed 21508331 (cited by 4 submitters); PubMed 24957169 (cited by Labcorp Genetics (formerly Invitae), Labcorp and Laboratório de Neurologia Aplicada e Experimental, Faculdade de Medicina de Ribeirao Preto – Universidade de Sao Paulo); PubMed 27100445 (cited by 3 submitters); PubMed 17296794 (cited by Labcorp Genetics (formerly Invitae), Labcorp and Athena Diagnostics); PubMed 17959936 (cited by 3 submitters); PubMed 18316077 (cited by 3 submitters); PubMed 19812251 (cited by 3 submitters); PubMed 24126688 (cited by 3billion); PubMed 22492563 (cited by 3billion); PubMed 26801520 (cited by 3billion and Laboratório de Neurologia Aplicada e Experimental, Faculdade de Medicina de Ribeirao Preto – Universidade de Sao Paulo); PubMed 28660751 (cited by 3billion); PubMed 20008656 (cited by Laboratório de Neurologia Aplicada e Experimental, Faculdade de Medicina de Ribeirao Preto – Universidade de Sao Paulo); PubMed 29898954 (cited by Laboratório de Neurologia Aplicada e Experimental, Faculdade de Medicina de Ribeirao Preto – Universidade de Sao Paulo); DOI 10.1111/jns.12159 (cited by Kasturba Medical College, Manipal, Kasturba Medical College, Manipal, Manipal Academy of Higher Education, Manipal, India).